The following is an entry in ClinVar:

NM_001127644.2(GABRA1):c.430A>G (p.Lys144Glu)

Gene: GABRA1 (gamma-aminobutyric acid type A receptor subunit alpha1; plus strand). Cytogenetic location: 5q34.
Variant type: single nucleotide variant.
Coding change: c.430A>G on transcript NM_001127644.2 (MANE Select); coding-DNA position 430, A replaced by G.
Protein change: p.Lys144Glu; replaces lysine 144 with glutamic acid.
Molecular consequence: missense variant.
Genome position (GRCh38, 1-based): chr5:161,873,291, A>G. VCF-style: chr5-161873291-A-G. GRCh37 (hg19) VCF-style: chr5-161300297-A-G.
Other names: c.430A>G, p.Lys144Glu (NM_000806.5, NM_001127643.2, NM_001127645.2 and 1 more transcripts); short protein forms K144E.
Identifiers: ClinVar variation 1360295 (VCV001360295.8), dbSNP rs2113381483, ClinGen allele CA362179067.

ClinVar aggregate classification (germline): Uncertain significance (1 of 4 stars; one submission).

Conditions:
Epilepsy, idiopathic generalized, susceptibility to, 13. Also called: EPILEPSY, JUVENILE MYOCLONIC, SUSCEPTIBILITY TO, 5. Identifiers: Orphanet 307, Orphanet 64280, MedGen C4013473, MONDO:0012627, OMIM 611136.
Idiopathic generalized epilepsy. Also called: Generalised epilepsy; EIG. Identifiers: MedGen C0270850, MONDO:0005579, OMIM 600669.
Epilepsy, childhood absence 4 (ECA4). Also called: EPILEPSY, CHILDHOOD ABSENCE, SUSCEPTIBILITY TO, 4. Identifiers: Orphanet 307, MedGen C1970160.

Submission:

Labcorp Genetics (formerly Invitae), Labcorp
Classification: Uncertain significance for Epilepsy, childhood absence 4; Epilepsy, idiopathic generalized, susceptibility to, 13; Idiopathic generalized epilepsy. Last evaluated: 2022-02-10. Review status: criteria provided, single submitter. Criteria: Invitae Variant Classification Sherloc (09022015). Collection method: clinical testing. Allele origin: germline.
Comment: In summary, the available evidence is currently insufficient to determine the role of this variant in disease. Therefore, it has been classified as a Variant of Uncertain Significance. Algorithms developed to predict the effect of missense changes on protein structure and function (SIFT, PolyPhen-2, Align-GVGD) all suggest that this variant is likely to be tolerated. This variant has not been reported in the literature in individuals affected with GABRA1-related conditions. This variant is not present in population databases (gnomAD no frequency). This sequence change replaces lysine, which is basic and polar, with glutamic acid, which is acidic and polar, at codon 144 of the GABRA1 protein (p.Lys144Glu).